The following is an entry in ClinVar:

ClinVar aggregate classification (germline): Pathogenic (1 of 4 stars; one submission).

Conditions:
Neonatal-onset encephalopathy with rigidity and seizures. Also called: Lethal neonatal spasticity-epileptic encephalopathy syndrome. Identifiers: Orphanet 435845, MedGen C3281029, MONDO:0013784, OMIM 614498.

Submission:

Labcorp Genetics (formerly Invitae), Labcorp
Classification: Pathogenic for Neonatal-onset encephalopathy with rigidity and seizures. Last evaluated: 2022-06-09. Review status: criteria provided, single submitter. Criteria: Invitae Variant Classification Sherloc (09022015). Collection method: clinical testing. Allele origin: germline.
Comment: For these reasons, this variant has been classified as Pathogenic. A similar copy number variant has been observed in individual(s) with West syndrome (PMID: 32139178). This variant is a gross deletion of the genomic region encompassing exon(s) 2-3 of the BRAT1 gene, which includes the initiator codon. This deletion extends beyond the assayed region for this gene and therefore may encompass additional genes. It is expected to result in an absent or disrupted protein product. Loss-of-function variants in BRAT1 are known to be pathogenic (PMID: 22279524, 25500575).

Literature cited by the submitters: PubMed 32139178; PubMed 22279524; PubMed 25500575.

NC_000007.13:g.(?_2586938)_(2594065_?)del

Gene: BRAT1 (BRCA1 associated ATM activator 1; minus strand). Cytogenetic location: 7p22.3.
Variant type: Deletion.
Identifiers: ClinVar variation 2427405 (VCV002427405.4).